The following is an entry in ClinVar:

ClinVar aggregate classification (germline): Conflicting classifications of pathogenicity. Review status: criteria provided, conflicting classifications (1 of 4 stars). 7 submissions from 6 submitters: Uncertain significance (6); Likely benign (1). Last evaluated 2025-07-21.

Conditions:
Emery-Dreifuss muscular dystrophy 4, autosomal dominant (EDMD4). Also called: EMERY-DREIFUSS MUSCULAR DYSTROPHY 4 WITH VARIABLE FEATURES. Identifiers: Orphanet 261, MedGen C2751807, MONDO:0013071, OMIM 612998.
Autosomal recessive ataxia, Beauce type. Also called: Spinocerebellar ataxia, autosomal recessive 8; ATAXIA, RECESSIVE, OF BEAUCE; SYNE1 Deficiency; SYNE1-Related Autosomal Recessive Cerebellar Ataxia. Identifiers: Orphanet 88644, MedGen C1853116, MONDO:0012549, OMIM 610743.

Allele frequency attached by ClinVar (database versions not stated): gnomAD 0.00001; ExAC 0.00002; TOPMed 0.00002; gnomAD exomes 0.00003.
gnomAD v4.1: 33 of 1,613,992 alleles (0.002%); highest among the groups gnomAD compares: East Asian, 0.0045%; no homozygotes.

Submissions (7):

Labcorp Genetics (formerly Invitae), Labcorp
Classification: Uncertain significance for Emery-Dreifuss muscular dystrophy 4, autosomal dominant; Autosomal recessive ataxia, Beauce type. Last evaluated: 2025-07-21. Review status: criteria provided, single submitter. Criteria: Invitae Variant Classification Sherloc (09022015). Collection method: clinical testing. Allele origin: germline.
Comment: This sequence change replaces arginine, which is basic and polar, with glutamine, which is neutral and polar, at codon 7928 of the SYNE1 protein (p.Arg7928Gln). This variant is present in population databases (rs267600862, gnomAD 0.006%). This missense change has been observed in individual(s) with autism spectrum disorder (PMID: 25969726). ClinVar contains an entry for this variant (Variation ID: 76198). An algorithm developed to predict the effect of missense changes on protein structure and function outputs the following: PolyPhen-2: "Probably Damaging". The glutamine amino acid residue is found in multiple mammalian species, which suggests that this missense change does not adversely affect protein function. In summary, the available evidence is currently insufficient to determine the role of this variant in disease. Therefore, it has been classified as a Variant of Uncertain Significance.

Women's Health and Genetics/Laboratory Corporation of America, LabCorp
Classification: Uncertain significance. Last evaluated: 2025-05-08. Review status: criteria provided, single submitter. Criteria: LabCorp Variant Classification Summary - May 2015. Collection method: clinical testing. Allele origin: germline.
Comment: Variant summary: SYNE1 c.23783G>A (p.Arg7928Gln) results in a conservative amino acid change in the encoded protein sequence. Algorithms developed to predict the effect of missense changes on protein structure and function are either unavailable or do not agree on the potential impact of this missense change. The variant allele was found at a frequency of 2.8e-05 in 251276 control chromosomes. The available data on variant occurrences in the general population are insufficient to allow any conclusion about variant significance. To our knowledge, no occurrence of c.23783G>A in individuals affected with Autosomal recessive ataxia, Beauce type and no experimental evidence demonstrating its impact on protein function have been reported. The following publications have been ascertained in the context of this evaluation (PMID: 25969726, 33325730). ClinVar contains an entry for this variant (Variation ID: 76198). Based on the evidence outlined above, the variant was classified as uncertain significance.

Blueprint Genetics
Classification: Uncertain significance. Last evaluated: 2022-06-28. Review status: criteria provided, single submitter. Criteria: ACMG Guidelines, 2015. Collection method: clinical testing. Allele origin: germline.

Revvity Omics, Revvity
Classification: Uncertain significance. Last evaluated: 2019-12-24. Review status: criteria provided, single submitter. Criteria: ACMG Guidelines, 2015. Collection method: clinical testing. Allele origin: germline.

GeneDx
Classification: Uncertain significance. Last evaluated: 2019-11-11. Review status: criteria provided, single submitter. Criteria: GeneDx Variant Classification Process June 2021. Collection method: clinical testing. Allele origin: germline. Affected: yes.
Comment: Not observed at a significant frequency in large population cohorts (Lek et al., 2016); In silico analysis, which includes protein predictors and evolutionary conservation, supports a deleterious effect; Has not been previously published as pathogenic or benign to our knowledge

Illumina Laboratory Services, Illumina
Classification: Uncertain significance for Autosomal recessive ataxia, Beauce type. Last evaluated: 2018-01-12. Review status: criteria provided, single submitter. Criteria: ICSL Variant Classification Criteria 13 December 2019. Collection method: clinical testing. Allele origin: germline.

Illumina Laboratory Services, Illumina
Classification: Likely benign for Emery-Dreifuss muscular dystrophy 4, autosomal dominant. Last evaluated: 2018-01-12. Review status: criteria provided, single submitter. Criteria: ICSL Variant Classification Criteria 13 December 2019. Collection method: clinical testing. Allele origin: germline.
Comment: This variant was observed in the ICSL laboratory as part of a predisposition screen in an ostensibly healthy population. It had not been previously curated by ICSL or reported in the Human Gene Mutation Database (HGMD: prior to June 1st, 2018), and was therefore a candidate for classification through an automated scoring system. Utilizing variant allele frequency, disease prevalence and penetrance estimates, and inheritance mode, an automated score was calculated to assess if this variant is too frequent to cause the disease. Based on the score and internal cut-off values, a variant classified as likely benign is not then subjected to further curation. The score for this variant resulted in a classification of likely benign for this disease.

Literature cited by the submitters: PubMed 25969726 (cited by Labcorp Genetics (formerly Invitae), Labcorp and Women's Health and Genetics/Laboratory Corporation of America, LabCorp); PubMed 33325730 (cited by Women's Health and Genetics/Laboratory Corporation of America, LabCorp).

NM_182961.4(SYNE1):c.23996G>A (p.Arg7999Gln)

Gene: SYNE1 (spectrin repeat containing nuclear envelope protein 1; minus strand). Cytogenetic location: 6q25.2.
Variant type: single nucleotide variant.
Coding change: c.23996G>A on transcript NM_182961.4 (MANE Select); coding-DNA position 23996, G replaced by A.
Protein change: p.Arg7999Gln; replaces arginine 7999 with glutamine.
Molecular consequence: missense variant.
Genome position (GRCh38, 1-based): chr6:152,155,025, C>T on the plus strand (G>A on the coding strand, the complement: SYNE1 is on the minus strand). VCF-style: chr6-152155025-C-T. GRCh37 (hg19) VCF-style: chr6-152476160-C-T.
Other names: c.602G>A, p.Arg201Gln (NM_001347701.2); c.461G>A, p.Arg154Gln (NM_001347702.2); c.23783G>A, p.Arg7928Gln (NM_033071.5); short protein forms R7928Q, R7999Q, R154Q, R201Q.
Identifiers: ClinVar variation 76198 (VCV000076198.17), dbSNP rs267600862, ClinGen allele CA4053280.
Genomic context (GRCh38, chr6:152,155,025, plus strand): 5'-TCTGAAGACTTCAGCCAATCTTCAAAACGTGAATAGTCATCCAGAAATTTCTGCCACAAT[C>T]GCCACGTCTCTTCGATTCTGGGGCGGAAAATGAAAGAACAGATTCAGATTATTGGAGACT-3'
Protein context (NP_892006.3, residues 7989-8009): ERRLKIEETW[Arg7999Gln]LWQKFLDDYS